The following is an entry in ClinVar:

ClinVar aggregate classification (germline): Uncertain significance. Review status: criteria provided, multiple submitters, no conflicts (2 of 4 stars). 3 submissions from 3 submitters: Uncertain significance (3). Last evaluated 2025-12-15.

Conditions:
Global developmental delay - lung cysts - overgrowth - Wilms tumor syndrome. Also called: GLOBAL DEVELOPMENTAL DELAY, LUNG CYSTS, OVERGROWTH, AND WILMS TUMOR; GLOW Syndrome. Identifiers: Orphanet 404476, MedGen C4748924, MONDO:0018445, OMIM 618272.
DICER1-related tumor predisposition. Also called: DICER1 syndrome; DICER1-related pleuropulmonary blastoma cancer predisposition syndrome. Identifiers: Orphanet 284343, MedGen C3839822, MONDO:0100216.
Hereditary cancer-predisposing syndrome. Also called: Neoplastic Syndromes, Hereditary; Tumor predisposition; Hereditary neoplastic syndrome; Hereditary Cancer Syndrome. Identifiers: Orphanet 140162, MedGen C0027672, MeSH D009386, MONDO:0015356.

Allele frequency attached by ClinVar (database versions not stated): gnomAD exomes below 0.00001.
gnomAD v4.1: 2 of 1,613,960 alleles (0.00012%); highest among the groups gnomAD compares: Non-Finnish European, 0.000085%; no homozygotes.

Submissions (3):

Labcorp Genetics (formerly Invitae), Labcorp
Classification: Uncertain significance for DICER1-related tumor predisposition. Last evaluated: 2025-12-15. Review status: criteria provided, single submitter. Criteria: Invitae Variant Classification Sherloc (09022015). Collection method: clinical testing. Allele origin: germline.
Comment: This sequence change replaces arginine, which is basic and polar, with lysine, which is basic and polar, at codon 91 of the DICER1 protein (p.Arg91Lys). This variant is present in population databases (no rsID available, gnomAD 0.0009%). This variant has not been reported in the literature in individuals affected with DICER1-related conditions. ClinVar contains an entry for this variant (Variation ID: 242070). Invitae Evidence Modeling of protein sequence and biophysical properties (such as structural, functional, and spatial information, amino acid conservation, physicochemical variation, residue mobility, and thermodynamic stability) indicates that this missense variant is not expected to disrupt DICER1 protein function with a negative predictive value of 95%. In summary, the available evidence is currently insufficient to determine the role of this variant in disease. Therefore, it has been classified as a Variant of Uncertain Significance.

Ambry Genetics
Classification: Uncertain significance for Hereditary cancer-predisposing syndrome. Last evaluated: 2024-04-13. Review status: criteria provided, single submitter. Criteria: Ambry Variant Classification Scheme 2023. Collection method: clinical testing. Allele origin: germline.
Comment: The p.R91K variant (also known as c.272G>A), located in coding exon 2 of the DICER1 gene, results from a G to A substitution at nucleotide position 272. The arginine at codon 91 is replaced by lysine, an amino acid with highly similar properties. This amino acid position is not well conserved in available vertebrate species. In addition, this alteration is predicted to be tolerated by in silico analysis. Since supporting evidence is limited at this time, the clinical significance of this alteration remains unclear.

Baylor Genetics
Classification: Uncertain significance for Global developmental delay - lung cysts - overgrowth - Wilms tumor syndrome. Last evaluated: 2023-06-30. Review status: criteria provided, single submitter. Criteria: ACMG Guidelines, 2015. Collection method: clinical testing. Allele origin: unknown.

NM_177438.3(DICER1):c.272G>A (p.Arg91Lys)

Gene: DICER1 (dicer 1, ribonuclease III; minus strand). Cytogenetic location: 14q32.13.
Variant type: single nucleotide variant.
Coding change: c.272G>A on transcript NM_177438.3 (MANE Select); coding-DNA position 272, G replaced by A.
Protein change: p.Arg91Lys; replaces arginine 91 with lysine.
Molecular consequence: missense variant.
Genome position (GRCh38, 1-based): chr14:95,132,550, C>T on the plus strand (G>A on the coding strand, the complement: DICER1 is on the minus strand). VCF-style: chr14-95132550-C-T. GRCh37 (hg19) VCF-style: chr14-95598887-C-T.
Other names: c.272G>A, p.Arg91Lys (NM_001195573.1, NM_001271282.3, NM_001291628.2 and 1 more transcripts); short protein forms R91K.
Identifiers: ClinVar variation 242070 (VCV000242070.16), dbSNP rs878855252, ClinGen allele CA10583229.